The following is an entry in ClinVar:

NM_002029.4(FPR1):c.841A>G (p.Ile281Val)

Gene: FPR1 (formyl peptide receptor 1; minus strand). Cytogenetic location: 19q13.41.
Variant type: single nucleotide variant.
Coding change: c.841A>G on transcript NM_002029.4 (MANE Select); coding-DNA position 841, A replaced by G.
Protein change: p.Ile281Val; replaces isoleucine 281 with valine.
Molecular consequence: missense variant.
Genome position (GRCh38, 1-based): chr19:51,746,154, T>C on the plus strand (A>G on the coding strand, the complement: FPR1 is on the minus strand). VCF-style: chr19-51746154-T-C. GRCh37 (hg19) VCF-style: chr19-52249407-T-C.
Other names: c.841A>G, p.Ile281Val (NM_001193306.2); short protein forms I281V.
Identifiers: ClinVar variation 2886675 (VCV002886675.3), dbSNP rs2513919514, ClinGen allele CA407116269.

ClinVar aggregate classification (germline): Uncertain significance (1 of 4 stars; one submission).

Conditions:
Gingival disorder. Also called: Gingival disease. Identifiers: MedGen C0017563, MONDO:0002021.

gnomAD v4.1: 5 of 1,614,192 alleles (0.00031%); highest among the groups gnomAD compares: Non-Finnish European, 0.00042%; no homozygotes.

Submission:

Labcorp Genetics (formerly Invitae), Labcorp
Classification: Uncertain significance for Gingival disorder. Last evaluated: 2024-07-23. Review status: criteria provided, single submitter. Criteria: Invitae Variant Classification Sherloc (09022015). Collection method: clinical testing. Allele origin: germline.
Comment: This sequence change replaces isoleucine, which is neutral and non-polar, with valine, which is neutral and non-polar, at codon 281 of the FPR1 protein (p.Ile281Val). This variant is not present in population databases (gnomAD no frequency). This variant has not been reported in the literature in individuals affected with FPR1-related conditions. An algorithm developed to predict the effect of missense changes on protein structure and function outputs the following: PolyPhen-2: "Benign". The valine amino acid residue is found in multiple mammalian species, which suggests that this missense change does not adversely affect protein function. In summary, the available evidence is currently insufficient to determine the role of this variant in disease. Therefore, it has been classified as a Variant of Uncertain Significance.